The following is an entry in ClinVar:

NM_002533.4(NVL):c.1245G>A (p.Ser415=)

Gene: NVL (nuclear VCP like; minus strand). Cytogenetic location: 1q42.11.
Variant type: single nucleotide variant.
Coding change: c.1245G>A on transcript NM_002533.4 (MANE Select); coding-DNA position 1245, G replaced by A.
Protein change: p.Ser415=; no amino-acid change (serine 415 retained).
Molecular consequence: synonymous variant.
Genome position (GRCh38, 1-based): chr1:224,294,347, C>T on the plus strand (G>A on the coding strand, the complement: NVL is on the minus strand). VCF-style: chr1-224294347-C-T. GRCh37 (hg19) VCF-style: chr1-224482049-C-T.
Other names: c.678G>A, p.Ser226= (NM_001243146.2); c.972G>A, p.Ser324= (NM_001243147.2); c.927G>A, p.Ser309= (NM_206840.3).
Identifiers: ClinVar variation 2639929 (VCV002639929.24), dbSNP rs149850559, ClinGen allele CA1414179.
Genomic context (GRCh38, chr1:224,294,347, plus strand): 5'-TGGGATACCTAGGCATATTTCTCGGTCGAACCTTCCCGCACGTCTCAAAGCAGGGTCTAA[C>T]GAGTCTGGTCGATTAGTAGCTCCAATAACTAGGACCCGGGCTGTAGCAGCCACATTATTC-3'
Protein context (NP_002524.2, residues 405-425): LVIGATNRPD[Ser415=]LDPALRRAGR

ClinVar aggregate classification (germline): Likely benign (1 of 4 stars; one submission).

Allele frequency attached by ClinVar (database versions not stated): gnomAD 0.00001; TOPMed 0.00001; ExAC 0.00002; gnomAD exomes 0.00004; ESP Exome Variant Server 0.00008.
gnomAD v4.1: 54 of 1,613,954 alleles (0.0033%); highest among the groups gnomAD compares: Middle Eastern, 0.016%; no homozygotes.

Submission:

CeGaT Center for Human Genetics Tuebingen
Classification: Likely benign. Last evaluated: 2022-04-01. Review status: criteria provided, single submitter. Criteria: CeGaT Center For Human Genetics Tuebingen Variant Classification Criteria Version 2. Collection method: clinical testing. Allele origin: germline. Affected: yes. Observed: 1 variant allele.
Comment: NVL: BP4, BP7